The following is an entry in ClinVar:

NM_021930.6(RINT1):c.839_839+2dup

Gene: RINT1 (RAD50 interactor 1; plus strand). Cytogenetic location: 7q22.3.
Variant type: Duplication.
Coding change: c.839_839+2dup on transcript NM_021930.6 (MANE Select); coding-DNA position 839 through the canonical splice donor site of the intron after coding-DNA position 839, 3 bases duplicated (CGT; older notation c.839_839+2dupCGT).
Molecular consequence: splice donor variant. On other transcripts: intron variant (1).
Genome position (GRCh38, 1-based): chr7:105,547,333-105,547,335, CGT duplicated; duplicating any 3 consecutive bases within chr7:105,547,332-105,547,335 gives the same sequence; the c. name uses the placement nearest the transcript's 3' end. VCF-style (leftmost placement, unchanged base first): chr7-105547331-C-CTCG. GRCh37 (hg19) VCF-style: chr7-105187778-C-CTCG.
Other names: c.-181_-181+2dup (NM_001346600.2); c.-84_-84+2dup (NM_001346601.2); c.-27-2722_-27-2720dup (NM_001346603.2); c.605_605+2dup (NM_001346599.2).
Identifiers: ClinVar variation 1763192 (VCV001763192.3), dbSNP rs1252330700, ClinGen allele CA830987031.
Genomic context (GRCh38, chr7:105,547,331, plus strand): 5'-TGCCCCGGAGATATACAGTTACCTGGAGACACTGTTTTGTCAGCTTTTGAAACTACAAAC[C>CTCG]TCGTATCTTTGTTGCAGCTGAAAACTTACTAAAATTTCTTTTTTCTAGAATGGGTTTGTG-3'

ClinVar aggregate classification (germline): Uncertain significance (1 of 4 stars; one submission).

Submission:

Ambry Genetics
Classification: Uncertain significance. Last evaluated: 2023-06-01. Review status: criteria provided, single submitter. Criteria: Ambry Variant Classification Scheme 2023. Collection method: clinical testing. Allele origin: germline.
Comment: The c.839_839+2dupCGT variant results from a duplication of 3 nucleotides between positions c.839 and c.839+2 and involves the canonical splice donor site after coding exon 6 of the RINT1 gene. This nucleotide region is highly conserved in available vertebrate species. In silico splice site analysis for this alteration is inconclusive; however, direct evidence is unavailable. Alterations that disrupt the canonical splice site are expected to cause aberrant splicing, resulting in an abnormal protein or a transcript that is subject to nonsense-mediated mRNA decay. However, the evidence for this gene-disease relationship is limited; therefore, the clinical significance of this alteration is unclear.